The following is an entry in ClinVar:

ClinVar aggregate classification (germline): Uncertain significance (1 of 4 stars; one submission).

Allele frequency attached by ClinVar (database versions not stated): gnomAD exomes below 0.00001; ExAC 0.00001.
gnomAD v4.1: 4 of 1,210,531 alleles (0.00033%); highest among the groups gnomAD compares: Admixed American, 0.0022%; no homozygotes.

Submission:

Labcorp Genetics (formerly Invitae), Labcorp
Classification: Uncertain significance. Last evaluated: 2025-09-15. Review status: criteria provided, single submitter. Criteria: Invitae Variant Classification Sherloc (09022015). Collection method: clinical testing. Allele origin: germline.
Comment: This sequence change replaces arginine, which is basic and polar, with histidine, which is basic and polar, at codon 739 of the OPHN1 protein (p.Arg739His). This variant is present in population databases (rs770024232, gnomAD 0.005%). This variant has not been reported in the literature in individuals affected with OPHN1-related conditions. ClinVar contains an entry for this variant (Variation ID: 2419278). An algorithm developed to predict the effect of missense changes on protein structure and function (PolyPhen-2) suggests that this variant is likely to be disruptive. In summary, the available evidence is currently insufficient to determine the role of this variant in disease. Therefore, it has been classified as a Variant of Uncertain Significance.

NM_002547.3(OPHN1):c.2216G>A (p.Arg739His)

Gene: OPHN1 (oligophrenin 1; minus strand). Cytogenetic location: Xq12.
Variant type: single nucleotide variant.
Coding change: c.2216G>A on transcript NM_002547.3 (MANE Select); coding-DNA position 2216, G replaced by A.
Protein change: p.Arg739His; replaces arginine 739 with histidine.
Molecular consequence: missense variant.
Genome position (GRCh38, 1-based): chrX:68,053,753, C>T on the plus strand (G>A on the coding strand, the complement: OPHN1 is on the minus strand). VCF-style: chrX-68053753-C-T. GRCh37 (hg19) VCF-style: chrX-67273595-C-T.
Other names: short protein forms R739H.
Identifiers: ClinVar variation 2419278 (VCV002419278.6), dbSNP rs770024232, ClinGen allele CA10436768.